The following is an entry in ClinVar:

ClinVar aggregate classification (germline): Uncertain significance. Review status: criteria provided, multiple submitters, no conflicts (2 of 4 stars). 4 submissions from 4 submitters: Uncertain significance (4). Last evaluated 2026-07-06.

Conditions:
Inborn genetic diseases. Identifiers: MedGen C0950123, MeSH D030342.
TTLL5-related disorder. Also called: TTLL5-related condition.

Allele frequency attached by ClinVar (database versions not stated): gnomAD exomes 0.00009; ExAC 0.00010; TOPMed 0.00005; ESP Exome Variant Server 0.00008.
gnomAD v4.1: 153 of 1,613,346 alleles (0.0095%); highest among the groups gnomAD compares: Admixed American, 0.025%; no homozygotes.

Submissions (4):

PreventionGenetics, part of Exact Sciences
Classification: Uncertain significance for TTLL5-related condition. Last evaluated: 2026-07-06. Review status: criteria provided, single submitter. Criteria: ACMG Guidelines, 2015. Collection method: clinical testing. Allele origin: germline.
Comment: The TTLL5 c.51G>C variant is predicted to result in the amino acid substitution p.Glu17Asp. To our knowledge, this variant has not been reported in the literature. This variant is present in 0.029% of alleles in individuals of Latino descent in gnomAD. At this time, the clinical significance of this variant is uncertain due to the absence of conclusive functional and genetic evidence.

Ambry Genetics
Classification: Uncertain significance for Inborn genetic diseases. Last evaluated: 2025-11-26. Review status: criteria provided, single submitter. Criteria: Ambry Variant Classification Scheme 2023. Collection method: clinical testing. Allele origin: germline.

Labcorp Genetics (formerly Invitae), Labcorp
Classification: Uncertain significance. Last evaluated: 2022-10-25. Review status: criteria provided, single submitter. Criteria: Invitae Variant Classification Sherloc (09022015). Collection method: clinical testing. Allele origin: germline.
Comment: This sequence change replaces glutamic acid, which is acidic and polar, with aspartic acid, which is acidic and polar, at codon 17 of the TTLL5 protein (p.Glu17Asp). This variant is present in population databases (rs369916219, gnomAD 0.03%). This variant has not been reported in the literature in individuals affected with TTLL5-related conditions. ClinVar contains an entry for this variant (Variation ID: 1015089). Advanced modeling of protein sequence and biophysical properties (such as structural, functional, and spatial information, amino acid conservation, physicochemical variation, residue mobility, and thermodynamic stability) performed at Invitae indicates that this missense variant is not expected to disrupt TTLL5 protein function. In summary, the available evidence is currently insufficient to determine the role of this variant in disease. Therefore, it has been classified as a Variant of Uncertain Significance.

Blueprint Genetics
Classification: Uncertain significance. Last evaluated: 2019-09-18. Review status: criteria provided, single submitter. Criteria: ACMG Guidelines, 2015. Collection method: clinical testing. Allele origin: germline.

NM_015072.5(TTLL5):c.51G>C (p.Glu17Asp)

Gene: TTLL5 (tubulin tyrosine ligase like 5; plus strand). Cytogenetic location: 14q24.3.
Variant type: single nucleotide variant.
Coding change: c.51G>C on transcript NM_015072.5 (MANE Select); coding-DNA position 51, G replaced by C.
Protein change: p.Glu17Asp; replaces glutamic acid 17 with aspartic acid.
Molecular consequence: missense variant.
Genome position (GRCh38, 1-based): chr14:75,663,200, G>C. VCF-style: chr14-75663200-G-C. GRCh37 (hg19) VCF-style: chr14-76129543-G-C.
Other names: c.51G>C (NM_015072.4); short protein forms E17D.
Identifiers: ClinVar variation 1015089 (VCV001015089.7), dbSNP rs369916219, ClinGen allele CA7278780.
Genomic context (GRCh38, chr14:75,663,200, plus strand): 5'-CCTAAAGGAAATGCCAATCGTGATGGCCCGGGACCTGGAGGAAACAGCATCATCCTCAGA[G>C]GATGAGGAGGTCATAAGTCAAGAGTAAGTAATAGCAAGCCTGCTTTCAACCTGTGCTTTG-3'
Protein context (NP_055887.3, residues 7-27): RDLEETASSS[Glu17Asp]DEEVISQEDH